The following is an entry in ClinVar:

NM_004387.4(NKX2-5):c.754G>A (p.Ala252Thr)

Gene: NKX2-5 (NK2 homeobox 5; minus strand). Cytogenetic location: 5q35.1.
Variant type: single nucleotide variant.
Coding change: c.754G>A on transcript NM_004387.4 (MANE Select); coding-DNA position 754, G replaced by A.
Protein change: p.Ala252Thr; replaces alanine 252 with threonine.
Molecular consequence: missense variant. On other transcripts: 3 prime UTR variant (2).
Genome position (GRCh38, 1-based): chr5:173,232,790, C>T on the plus strand (G>A on the coding strand, the complement: NKX2-5 is on the minus strand). VCF-style: chr5-173232790-C-T. GRCh37 (hg19) VCF-style: chr5-172659793-C-T.
Other names: c.*707G>A (NM_001166175.2); c.*553G>A (NM_001166176.2); short protein forms A252T.
Identifiers: ClinVar variation 3879782 (VCV003879782.1).
Genomic context (GRCh38, chr5:173,232,790, plus strand): 5'-CAGTGCAGCTGTAGCCAGGGCTGCAGGCCGCGCCGCCGTAACCCGGATAGGCGGGGTAGG[C>T]GTTATAACCGTAGGGATTGAGGCCCACGCCGTAGGCAGGCGCGTAGGGCGCCGAGTCCCC-3'
Protein context (NP_004378.1, residues 242-262): GVGLNPYGYN[Ala252Thr]YPAYPGYGGA

ClinVar aggregate classification (germline): Uncertain significance (1 of 4 stars; one submission).

Conditions:
Cardiovascular phenotype. Identifiers: MedGen CN230736.

gnomAD v4.1: 2 of 1,611,426 alleles (0.00012%); highest among the groups gnomAD compares: Non-Finnish European, 0.00017%; no homozygotes.

Submission:

Ambry Genetics
Classification: Uncertain significance for Cardiovascular phenotype. Last evaluated: 2024-12-21. Review status: criteria provided, single submitter. Criteria: Ambry Variant Classification Scheme 2023. Collection method: clinical testing. Allele origin: germline.
Comment: The p.A252T variant (also known as c.754G>A), located in coding exon 2 of the NKX2-5 gene, results from a G to A substitution at nucleotide position 754. The alanine at codon 252 is replaced by threonine, an amino acid with similar properties. This amino acid position is conserved. In addition, this alteration is predicted to be tolerated by in silico analysis. Based on the available evidence, the clinical significance of this variant remains unclear.